The following is an entry in ClinVar:

NM_152703.5(SAMD9L):c.1258G>C (p.Val420Leu)

Gene: SAMD9L (sterile alpha motif domain containing 9 like; minus strand). Cytogenetic location: 7q21.2.
Variant type: single nucleotide variant.
Coding change: c.1258G>C on transcript NM_152703.5 (MANE Select); coding-DNA position 1258, G replaced by C.
Protein change: p.Val420Leu; replaces valine 420 with leucine.
Molecular consequence: missense variant.
Genome position (GRCh38, 1-based): chr7:93,134,714, C>G on the plus strand (G>C on the coding strand, the complement: SAMD9L is on the minus strand). VCF-style: chr7-93134714-C-G. GRCh37 (hg19) VCF-style: chr7-92764027-C-G.
Other names: c.1258G>C, p.Val420Leu (NM_001303496.3, NM_001303497.3, NM_001303498.3 and 5 more transcripts); short protein forms V420L.
Identifiers: ClinVar variation 4842036 (VCV004842036.1).

ClinVar aggregate classification (germline): Uncertain significance (1 of 4 stars; one submission).

Conditions:
Inborn genetic diseases. Identifiers: MedGen C0950123, MeSH D030342.

gnomAD v4.1: 1 of 1,613,524 alleles (0.000062%); highest among the groups gnomAD compares: Middle Eastern, 0.017%; no homozygotes.

Submission:

Ambry Genetics
Classification: Uncertain significance for Inborn genetic diseases. Last evaluated: 2026-01-10. Review status: criteria provided, single submitter. Criteria: Ambry Variant Classification Scheme 2023. Collection method: clinical testing. Allele origin: germline.
Comment: The p.V420L variant (also known as c.1258G>C), located in coding exon 1 of the SAMD9L gene, results from a G to C substitution at nucleotide position 1258. The valine at codon 420 is replaced by leucine, an amino acid with highly similar properties. This amino acid position is conserved. In addition, this alteration is predicted to be tolerated by in silico analysis. Based on the available evidence, the clinical significance of this variant remains unclear.